The following is an entry in ClinVar:

ClinVar aggregate classification (germline): Uncertain significance (1 of 4 stars; one submission).

Conditions:
Hereditary cancer-predisposing syndrome. Also called: Neoplastic Syndromes, Hereditary; Tumor predisposition; Hereditary Cancer Syndrome; Hereditary neoplastic syndrome. Identifiers: Orphanet 140162, MedGen C0027672, MeSH D009386, MONDO:0015356.

Submission:

Color Diagnostics, LLC DBA Color Health
Classification: Uncertain significance for Hereditary cancer-predisposing syndrome. Last evaluated: 2024-03-06. Review status: criteria provided, single submitter. Criteria: ACMG Guidelines, 2015. Collection method: clinical testing. Allele origin: germline.
Comment: This missense variant replaces serine with arginine at codon 164 of the CHEK2 protein. Computational prediction suggests that this variant may have deleterious impact on protein structure and function (internally defined REVEL score threshold >= 0.7, PMID: 27666373). Splice site prediction tools suggest that this variant may not impact RNA splicing. To our knowledge, functional studies have not been performed for this variant. This variant has not been reported in individuals affected with hereditary cancer in the literature. This variant has not been identified in the general population by the Genome Aggregation Database (gnomAD). The available evidence is insufficient to determine the role of this variant in disease conclusively. Therefore, this variant is classified as a Variant of Uncertain Significance.

NM_007194.4(CHEK2):c.490A>C (p.Ser164Arg)

Gene: CHEK2 (checkpoint kinase 2; minus strand). Cytogenetic location: 22q12.1.
Variant type: single nucleotide variant.
Coding change: c.490A>C on transcript NM_007194.4 (MANE Select); coding-DNA position 490, A replaced by C.
Protein change: p.Ser164Arg; replaces serine 164 with arginine.
Molecular consequence: missense variant. On other transcripts: 5 prime UTR variant (2), intron variant (1).
Genome position (GRCh38, 1-based): chr22:28,725,079, T>G on the plus strand (A>C on the coding strand, the complement: CHEK2 is on the minus strand). VCF-style: chr22-28725079-T-G. GRCh37 (hg19) VCF-style: chr22-29121067-T-G.
Other names: c.619A>C, p.Ser207Arg (NM_001005735.3, NM_001438294.1); c.-288A>C (NM_001257387.3); c.-174A>C (NM_001437942.1); c.583A>C, p.Ser195Arg (NM_001438293.1, NM_001438295.1); c.490A>C, p.Ser164Arg (NM_145862.3); c.445-156A>C (NM_001349956.3); short protein forms S207R, S164R, S195R.
Identifiers: ClinVar variation 926796 (VCV000926796.3), dbSNP rs2053945090, ClinGen allele CA411107529.